The following is an entry in ClinVar:

ClinVar aggregate classification (germline): Uncertain significance (1 of 4 stars; one submission).

Allele frequency attached by ClinVar (database versions not stated): gnomAD exomes below 0.00001; TOPMed below 0.00001; gnomAD 0.00001.
gnomAD v4.1: 8 of 1,614,058 alleles (0.0005%); highest among the groups gnomAD compares: Non-Finnish European, 0.00068%; no homozygotes.

Submission:

GeneDx
Classification: Uncertain significance. Last evaluated: 2020-02-04. Review status: criteria provided, single submitter. Criteria: GeneDx Variant Classification Process June 2021. Collection method: clinical testing. Allele origin: germline. Affected: yes.
Comment: Has not been previously published as pathogenic or benign to our knowledge; Not observed in large population cohorts (Lek et al., 2016); In silico analysis supports that this missense variant has a deleterious effect on protein structure/function

NM_001148.6(ANK2):c.3259C>T (p.Leu1087Phe)

Gene: ANK2 (ankyrin 2; plus strand). Cytogenetic location: 4q26.
Variant type: single nucleotide variant.
Coding change: c.3259C>T on transcript NM_001148.6 (MANE Select); coding-DNA position 3259, C replaced by T.
Protein change: p.Leu1087Phe; replaces leucine 1087 with phenylalanine.
Molecular consequence: missense variant.
Genome position (GRCh38, 1-based): chr4:113,333,088, C>T. VCF-style: chr4-113333088-C-T. GRCh37 (hg19) VCF-style: chr4-114254244-C-T.
Other names: c.3208C>T, p.Leu1070Phe (NM_001354254.2); c.3196C>T, p.Leu1066Phe (NM_001354255.2, NM_001386143.1, NM_001354243.2); c.3193C>T, p.Leu1065Phe (NM_001354256.2, NM_001386161.1, NM_001354244.2); c.2998C>T, p.Leu1000Phe (NM_001354257.2, NM_001386156.1); c.3160C>T, p.Leu1054Phe (NM_001354258.2, NM_001354228.2); c.2974C>T, p.Leu992Phe (NM_001354260.2, NM_001354271.2, NM_001386151.1); c.3118C>T, p.Leu1040Phe (NM_001354261.2, NM_001386147.1); c.3097C>T, p.Leu1033Phe (NM_001354262.2, NM_001354275.2, NM_001354245.2); and 28 more; short protein forms L1000F, L1012F, L1016F, L1020F, L1021F, L1025F, L1033F, L1035F.
Identifiers: ClinVar variation 1315970 (VCV001315970.2), dbSNP rs1331169046, ClinGen allele CA357935960.